The following is an entry in ClinVar:

ClinVar aggregate classification (germline): Likely benign (0 of 4 stars; one submission).

Conditions:
LRRC45-related disorder. Also called: LRRC45-related condition.

gnomAD v4.1: 10 of 1,535,726 alleles (0.00065%); highest among the groups gnomAD compares: African/African-American, 0.014%; no homozygotes.

Submission:

PreventionGenetics, part of Exact Sciences
Classification: Likely benign for LRRC45-related condition. Last evaluated: 2024-08-28. Review status: no assertion criteria provided. Collection method: clinical testing. Allele origin: germline.
Comment: This variant is classified as likely benign based on ACMG/AMP sequence variant interpretation guidelines (Richards et al. 2015 PMID: 25741868, with internal and published modifications).

NM_144999.4(LRRC45):c.1647G>A (p.Arg549=)

Gene: LRRC45 (leucine rich repeat containing 45; plus strand). Cytogenetic location: 17q25.3.
Variant type: single nucleotide variant.
Coding change: c.1647G>A on transcript NM_144999.4 (MANE Select); coding-DNA position 1647, G replaced by A.
Protein change: p.Arg549=; no amino-acid change (arginine 549 retained).
Molecular consequence: synonymous variant.
Genome position (GRCh38, 1-based): chr17:82,030,217, G>A. VCF-style: chr17-82030217-G-A. GRCh37 (hg19) VCF-style: chr17-79988093-G-A.
Identifiers: ClinVar variation 3353723 (VCV003353723.1).